The following is an entry in ClinVar:

ClinVar aggregate classification (germline): Pathogenic (1 of 4 stars; one submission).

Conditions:
Shprintzen-Goldberg syndrome (SGS). Also called: SHPRINTZEN-GOLDBERG CRANIOSYNOSTOSIS SYNDROME; CRANIOSYNOSTOSIS WITH ARACHNODACTYLY AND ABDOMINAL HERNIAS; Marfanoid disorder with craniosynostosis type 1; Marfanoid craniosynostosis syndrome; Shprintzen-Goldberg marfanoid syndrome. Identifiers: Orphanet 2462, MedGen C1321551, MONDO:0008426, OMIM 182212.

Allele frequency attached by ClinVar (database versions not stated): gnomAD exomes below 0.00001.
gnomAD v4.1: 1 of 1,393,160 alleles (0.000072%); highest among the groups gnomAD compares: Non-Finnish European, 0.000094%; no homozygotes.

Submission:

Labcorp Genetics (formerly Invitae), Labcorp
Classification: Pathogenic for Shprintzen-Goldberg syndrome. Last evaluated: 2022-01-14. Review status: criteria provided, single submitter. Criteria: Invitae Variant Classification Sherloc (09022015). Collection method: clinical testing. Allele origin: germline.
Comment: For these reasons, this variant has been classified as Pathogenic. This variant disrupts the p.Thr20 amino acid residue in SKI. Other variant(s) that disrupt this residue have been observed in individuals with SKI-related conditions (PMID: 27146836, 28857439), which suggests that this may be a clinically significant amino acid residue. Advanced modeling of protein sequence and biophysical properties (such as structural, functional, and spatial information, amino acid conservation, physicochemical variation, residue mobility, and thermodynamic stability) performed at Invitae indicates that this missense variant is expected to disrupt SKI protein function. ClinVar contains an entry for this variant (Variation ID: 409969). This missense change has been observed in individual(s) with clinical features of Shprintzen-Goldberg syndrome (Invitae). In at least one individual the variant was observed to be de novo. This variant is not present in population databases (gnomAD no frequency). This sequence change replaces threonine, which is neutral and polar, with methionine, which is neutral and non-polar, at codon 20 of the SKI protein (p.Thr20Met).

Literature cited by the submitters: PubMed 27146836; PubMed 28857439.

NM_003036.4(SKI):c.59C>T (p.Thr20Met)

Gene: SKI (SKI proto-oncogene; plus strand). Cytogenetic location: 1p36.33.
Variant type: single nucleotide variant.
Coding change: c.59C>T on transcript NM_003036.4 (MANE Select); coding-DNA position 59, C replaced by T.
Protein change: p.Thr20Met; replaces threonine 20 with methionine.
Molecular consequence: missense variant.
Genome position (GRCh38, 1-based): chr1:2,228,825, C>T. VCF-style: chr1-2228825-C-T. GRCh37 (hg19) VCF-style: chr1-2160264-C-T.
Other names: short protein forms T20M.
Identifiers: ClinVar variation 409969 (VCV000409969.8), dbSNP rs1060502671, ClinGen allele CA16610011.